The following is an entry in ClinVar:

NM_022836.4(DCLRE1B):c.270G>T (p.Met90Ile)

Gene: DCLRE1B (DNA cross-link repair 1B; plus strand). Cytogenetic location: 1p13.2.
Variant type: single nucleotide variant.
Coding change: c.270G>T on transcript NM_022836.4 (MANE Select); coding-DNA position 270, G replaced by T.
Protein change: p.Met90Ile; replaces methionine 90 with isoleucine.
Molecular consequence: missense variant. On other transcripts: intron variant (3).
Genome position (GRCh38, 1-based): chr1:113,907,076, G>T. VCF-style: chr1-113907076-G-T. GRCh37 (hg19) VCF-style: chr1-114449698-G-T.
Other names: c.270G>T, p.Met90Ile (NM_001363690.2); c.-23-933G>T (NM_001319947.2, NM_001319946.2, NM_001363691.2); short protein forms M90I.
Identifiers: ClinVar variation 4995170 (VCV004995170.1).

ClinVar aggregate classification (germline): Uncertain significance (1 of 4 stars; one submission).

Conditions:
DCLRE1B-related disorder. Also called: DCLRE1B-related condition.

Submission:

PreventionGenetics, part of Exact Sciences
Classification: Uncertain significance for DCLRE1B-related condition. Last evaluated: 2026-05-25. Review status: criteria provided, single submitter. Criteria: ACMG Guidelines, 2015. Collection method: clinical testing. Allele origin: germline.
Comment: The DCLRE1B c.270G>T variant is predicted to result in the amino acid substitution p.Met90Ile. To our knowledge, this variant has not been reported in the literature in individuals with autosomal recessive dyskeratosis congenita or in a large population database (gnomAD), indicating this variant is rare. At this time, the clinical significance of this variant is uncertain due to the absence of conclusive functional and genetic evidence.